The following is an entry in ClinVar:

ClinVar aggregate classification (germline): Pathogenic (1 of 4 stars; one submission).

Conditions:
Fanconi anemia (FA). Also called: Fanconi's anemia. Identifiers: Orphanet 84, MedGen C0015625, MeSH D005199, MONDO:0019391.

Submission:

Labcorp Genetics (formerly Invitae), Labcorp
Classification: Pathogenic for Fanconi anemia. Last evaluated: 2021-05-10. Review status: criteria provided, single submitter. Criteria: Invitae Variant Classification Sherloc (09022015). Collection method: clinical testing. Allele origin: germline.
Comment: This sequence change creates a premature translational stop signal (p.Thr192Asnfs*6) in the FANCC gene. It is expected to result in an absent or disrupted protein product. Loss-of-function variants in FANCC are known to be pathogenic (PMID: 17924555). This variant is not present in population databases (ExAC no frequency). This variant has not been reported in the literature in individuals with FANCC-related conditions. For these reasons, this variant has been classified as Pathogenic.

Literature cited by the submitters: PubMed 17924555.

NM_000136.3(FANCC):c.574dup (p.Thr192fs)

Genes: AOPEP (aminopeptidase O (putative); plus strand), FANCC (FA complementation group C; minus strand). Cytogenetic location: 9q22.32.
Variant type: Duplication.
Coding change: c.574dup on transcript NM_000136.3 (MANE Select); coding-DNA position 574, one base duplicated (A; older notation c.574dupA).
Protein change: p.Thr192fs; shifts the reading frame from threonine 192.
Molecular consequence: frameshift variant.
Genome position (GRCh38, 1-based): chr9:95,150,035, T duplicated on the plus strand (A on the coding strand, the reverse complement: FANCC is on the minus strand). VCF-style (leftmost placement, unchanged base first): chr9-95150034-G-GT. GRCh37 (hg19) VCF-style: chr9-97912316-G-GT.
Other names: c.574dup, p.Thr192fs (NM_001243743.2, NM_001243744.2); short protein forms T192fs.
Identifiers: ClinVar variation 1442299 (VCV001442299.6), dbSNP rs2135428096, ClinGen allele CA2573144821.